The following is an entry in ClinVar:

NM_001267550.2(TTN):c.23965C>T (p.Arg7989Cys)

Gene: TTN (titin; minus strand). Cytogenetic location: 2q31.2.
Variant type: single nucleotide variant.
Coding change: c.23965C>T on transcript NM_001267550.2 (MANE Select); coding-DNA position 23965, C replaced by T.
Protein change: p.Arg7989Cys; replaces arginine 7989 with cysteine.
Molecular consequence: missense variant. On other transcripts: intron variant (3).
Genome position (GRCh38, 1-based): chr2:178,719,425, G>A on the plus strand (C>T on the coding strand, the complement: TTN is on the minus strand). VCF-style: chr2-178719425-G-A. GRCh37 (hg19) VCF-style: chr2-179584152-G-A.
Other names: p.R7672C:CGC>TGC; c.13282+18657C>T (NM_003319.4); c.13858+18657C>T (NM_133437.4); c.13657+18657C>T (NM_133432.3); c.23014C>T, p.Arg7672Cys (NM_001256850.1); c.20233C>T, p.Arg6745Cys (NM_133378.4); short protein forms R6745C, R7989C, R7672C.
Identifiers: ClinVar variation 178236 (VCV000178236.32), dbSNP rs201653851, ClinGen allele CA181876.

ClinVar aggregate classification (germline): Conflicting classifications of pathogenicity. Review status: criteria provided, conflicting classifications (1 of 4 stars). 14 submissions from 10 submitters: Uncertain significance (8); Benign (2); Likely benign (4). Last evaluated 2026-03-23.

Conditions:
TTN-related disorder. Also called: TTN-related condition; TTN-related disease; TTN-related disorders.
Dilated cardiomyopathy 1G (CMD1G). Identifiers: Orphanet 154, MedGen C1858763, MONDO:0011400, OMIM 604145.
Autosomal recessive limb-girdle muscular dystrophy type 2J (LGMDR10). Also called: Limb-girdle muscular dystrophy, type 2J; MUSCULAR DYSTROPHY, LIMB-GIRDLE, AUTOSOMAL RECESSIVE 10. Identifiers: Orphanet 140922, MedGen C1837342, MONDO:0012127, OMIM 608807.
Tibial muscular dystrophy (TMD). Also called: Udd Distal Myopathy – Tibial Muscular Dystrophy; UDD MYOPATHY; Tibial muscular dystrophy, tardive. Identifiers: Orphanet 609, MedGen C1838244, MONDO:0010870, OMIM 600334.
Myopathy, myofibrillar, 9, with early respiratory failure (MFM9). Also called: Hereditary myopathy with early respiratory failure; EDSTROM MYOPATHY; MYOPATHY, PROXIMAL, WITH EARLY RESPIRATORY MUSCLE INVOLVEMENT; Myopathy, distal, with early respiratory failure, autosomal dominant. Identifiers: Orphanet 178464, Orphanet 34521, MedGen C1863599, MONDO:0011362, OMIM 603689.
Hypertrophic cardiomyopathy 9. Also called: Familial hypertrophic cardiomyopathy 9. Identifiers: MedGen C1861065, MONDO:0013412, OMIM 613765.
Early-onset myopathy with fatal cardiomyopathy (CMYO5). Also called: CONGENITAL MYOPATHY 5 WITH CARDIOMYOPATHY; Salih Myopathy. Identifiers: Orphanet 289377, MedGen C2673677, MONDO:0012714, OMIM 611705. Disease mechanism: loss of function.

Allele frequency attached by ClinVar (database versions not stated): ESP Exome Variant Server 0.00008; ExAC 0.00013; gnomAD exomes 0.00014 and 0.00017; 1000 Genomes Project 30x 0.00016; TOPMed 0.00017; gnomAD 0.00018; 1000 Genomes Project 0.00040.
gnomAD v4.1: 277 of 1,612,900 alleles (0.017%); highest among the groups gnomAD compares: East Asian, 0.071%; no homozygotes.

Submissions (14):

PreventionGenetics, part of Exact Sciences
Classification: Uncertain significance for TTN-related condition. Last evaluated: 2026-03-23. Review status: criteria provided, single submitter. Criteria: ACMG Guidelines, 2015. Collection method: clinical testing. Allele origin: germline.
Comment: The TTN c.23965C>T variant is predicted to result in the amino acid substitution p.Arg7989Cys. However, this individual also carried a TTN frameshift variant in a constitutively expressed exon (PSI of 100%) which could explain the clinical features (Table S2, Haskell et al. 2017. PubMed ID: 28611029). This variant is reported in 0.097% of alleles in individuals of East Asian descent in gnomAD, which is likely too common to be a primary cause of disease. Although we suspect that this variant may be benign, at this time, the clinical significance of this variant is uncertain due to the absence of conclusive functional and genetic evidence.

Labcorp Genetics (formerly Invitae), Labcorp
Classification: Likely benign for Dilated cardiomyopathy 1G; Autosomal recessive limb-girdle muscular dystrophy type 2J. Last evaluated: 2026-01-24. Review status: criteria provided, single submitter. Criteria: Invitae Variant Classification Sherloc (09022015). Collection method: clinical testing. Allele origin: germline.

Revvity Omics, Revvity
Classification: Uncertain significance. Last evaluated: 2025-04-06. Review status: criteria provided, single submitter. Criteria: ACMG Guidelines, 2015. Collection method: clinical testing. Allele origin: germline.

Women's Health and Genetics/Laboratory Corporation of America, LabCorp
Classification: Likely benign. Last evaluated: 2025-01-13. Review status: criteria provided, single submitter. Criteria: LabCorp Variant Classification Summary - May 2015. Collection method: clinical testing. Allele origin: germline.
Comment: Variant summary: TTN c.20233C>T (p.Arg6745Cys) results in a non-conservative amino acid change in the encoded protein sequence. Three of three in-silico tools predict a damaging effect of the variant on protein function. The variant allele was found at a frequency of 0.00014 in 248588 control chromosomes, predominantly at a frequency of 0.0011 within the East Asian subpopulation in the gnomAD database. The observed variant frequency within East Asian control individuals in the gnomAD database is approximately 2.82 fold of the estimated maximal expected allele frequency for a pathogenic variant in TTN causing Autosomal Recessive Titinopathy phenotype (0.00039). To our knowledge, no occurrence of c.20233C>T in individuals affected with Autosomal Recessive Titinopathy and no experimental evidence demonstrating its impact on protein function have been reported. ClinVar contains an entry for this variant (Variation ID: 178236). Based on the evidence outlined above, the variant was classified as likely benign.

Blueprint Genetics
Classification: Likely benign. Last evaluated: 2023-10-23. Review status: criteria provided, single submitter. Criteria: ACMG Guidelines, 2015. Collection method: clinical testing. Allele origin: germline.

Department of Pathology and Laboratory Medicine, Sinai Health System
Classification: Uncertain significance for Tibial muscular dystrophy; Myopathy, myofibrillar, 9, with early respiratory failure; Dilated cardiomyopathy 1G; Autosomal recessive limb-girdle muscular dystrophy type 2J; Early-onset myopathy with fatal cardiomyopathy; Hypertrophic cardiomyopathy 9. Last evaluated: 2022-05-05. Review status: criteria provided, single submitter. Criteria: ACMG Guidelines, 2015. Collection method: research. Allele origin: germline.

GeneDx
Classification: Likely benign. Last evaluated: 2020-04-06. Review status: criteria provided, single submitter. Criteria: GeneDx Variant Classification Process June 2021. Collection method: clinical testing. Allele origin: germline. Affected: yes.

Illumina Laboratory Services, Illumina
Classification: Benign for Tibial muscular dystrophy. Last evaluated: 2018-01-13. Review status: criteria provided, single submitter. Criteria: ICSL Variant Classification Criteria 13 December 2019. Collection method: clinical testing. Allele origin: germline.
Comment: This variant was observed in the ICSL laboratory as part of a predisposition screen in an ostensibly healthy population. It had not been previously curated by ICSL or reported in the Human Gene Mutation Database (HGMD: prior to June 1st, 2018), and was therefore a candidate for classification through an automated scoring system. Utilizing variant allele frequency, disease prevalence and penetrance estimates, and inheritance mode, an automated score was calculated to assess if this variant is too frequent to cause the disease. Based on the score and internal cut-off values, a variant classified as benign is not then subjected to further curation. The score for this variant resulted in a classification of benign for this disease.

Illumina Laboratory Services, Illumina
Classification: Uncertain significance for Dilated cardiomyopathy 1G. Last evaluated: 2018-01-13. Review status: criteria provided, single submitter. Criteria: ICSL Variant Classification Criteria 13 December 2019. Collection method: clinical testing. Allele origin: germline.

Illumina Laboratory Services, Illumina
Classification: Uncertain significance for Early-onset myopathy with fatal cardiomyopathy. Last evaluated: 2018-01-13. Review status: criteria provided, single submitter. Criteria: ICSL Variant Classification Criteria 13 December 2019. Collection method: clinical testing. Allele origin: germline.

Illumina Laboratory Services, Illumina
Classification: Benign for Myopathy, myofibrillar, 9, with early respiratory failure. Last evaluated: 2018-01-13. Review status: criteria provided, single submitter. Criteria: ICSL Variant Classification Criteria 13 December 2019. Collection method: clinical testing. Allele origin: germline.
Comment: the same text as in the submission from Illumina Laboratory Services, Illumina above.

Illumina Laboratory Services, Illumina
Classification: Uncertain significance for Autosomal recessive limb-girdle muscular dystrophy type 2J. Last evaluated: 2018-01-13. Review status: criteria provided, single submitter. Criteria: ICSL Variant Classification Criteria 13 December 2019. Collection method: clinical testing. Allele origin: germline.

Eurofins Ntd Llc (ga)
Classification: Uncertain significance. Last evaluated: 2016-09-20. Review status: criteria provided, single submitter. Criteria: EGL Classification Definitions 2015. Collection method: clinical testing. Allele origin: germline. Observed: 2 variant alleles, 2 heterozygotes.

Laboratory for Molecular Medicine, Mass General Brigham Personalized Medicine
Classification: Uncertain significance. Last evaluated: 2015-04-03. Review status: criteria provided, single submitter. Criteria: LMM Criteria. Collection method: clinical testing. Allele origin: germline. Observed: 2 variant alleles.
Comment: Variant classified as Uncertain Significance - Favor Benign. The p.Arg6745Cys va riant in TTN has not been previously reported in individuals with cardiomyopathy , but has been identified in 0.1% (9/8616) of East Asian chromosomes by the Exom e Aggregation Consortium (ExAC; dbSNP rs20165385 1). Computational prediction tools and conservation analysis do not provide stro ng support for or against an impact to the protein. In summary, while the clinic al significance of the p.Arg6745Cys variant is uncertain, its frequency suggests that it is more likely to be benign.